The following is an entry in ClinVar:

ClinVar aggregate classification (germline): Uncertain significance (1 of 4 stars; one submission).

Submission:

Labcorp Genetics (formerly Invitae), Labcorp
Classification: Uncertain significance. Last evaluated: 2023-03-02. Review status: criteria provided, single submitter. Criteria: Invitae Variant Classification Sherloc (09022015). Collection method: clinical testing. Allele origin: germline.
Comment: This sequence change replaces aspartic acid, which is acidic and polar, with glycine, which is neutral and non-polar, at codon 74 of the TMED7 protein (p.Asp74Gly). This variant is not present in population databases (gnomAD no frequency). This variant has not been reported in the literature in individuals affected with TMED7-related conditions. An algorithm developed to predict the effect of missense changes on protein structure and function (PolyPhen-2) suggests that this variant is likely to be tolerated. In summary, the available evidence is currently insufficient to determine the role of this variant in disease. Therefore, it has been classified as a Variant of Uncertain Significance.

NM_181836.6(TMED7):c.221A>G (p.Asp74Gly)

Genes: TMED7 (transmembrane p24 trafficking protein 7; minus strand), TMED7-TICAM2 (TMED7-TICAM2 readthrough; minus strand). Cytogenetic location: 5q22.3.
Variant type: single nucleotide variant.
Coding change: c.221A>G on transcript NM_181836.6 (MANE Select); coding-DNA position 221, A replaced by G.
Protein change: p.Asp74Gly; replaces aspartic acid 74 with glycine.
Molecular consequence: missense variant.
Genome position (GRCh38, 1-based): chr5:115,620,652, T>C on the plus strand (A>G on the coding strand, the complement: TMED7 is on the minus strand). VCF-style: chr5-115620652-T-C. GRCh37 (hg19) VCF-style: chr5-114956349-T-C.
Other names: c.221A>G, p.Asp74Gly (NM_001164468.4, NM_001164469.4); short protein forms D74G.
Identifiers: ClinVar variation 2842221 (VCV002842221.3), dbSNP rs2531894211, ClinGen allele CA360714015.